The following is an entry in ClinVar:

ClinVar aggregate classification (germline): Pathogenic/Likely pathogenic. Review status: criteria provided, multiple submitters, no conflicts (2 of 4 stars). 3 submissions from 3 submitters: Pathogenic (2); Likely pathogenic (1). Last evaluated 2025-11-07.

Conditions:
Early-infantile DEE. Also called: Early infantile epileptic encephalopathy with suppression bursts; Ohtahara syndrome; Early infantile epileptic encephalopathy. Identifiers: Orphanet 1934, MedGen C0393706, MONDO:0800491.

Submissions (3):

Dasa
Classification: Likely pathogenic. Last evaluated: 2025-11-07. Review status: criteria provided, single submitter. Criteria: DASA Assertion Criteria. Collection method: clinical testing. Allele origin: germline.
Comment: NM_001165963.4(SCN1A):c.473+5G>A is a splice-region variant predicted to affect normal RNA splicing. This variant affects a splice-region context with prior evidence supporting clinical relevance. This variant has been reported in individuals with SCN1A-related disorders (PMID: 34293681). This variant has been reported as a de novo occurrence in an affected individual (PMID: 34293681). Also, this variant is rare in population databases. Computational evidence supports a deleterious effect. Based on the currently available evidence, this variant is classified as likely pathogenic.

Labcorp Genetics (formerly Invitae), Labcorp
Classification: Pathogenic for Early-infantile DEE. Last evaluated: 2025-04-29. Review status: criteria provided, single submitter. Criteria: Invitae Variant Classification Sherloc (09022015). Collection method: clinical testing. Allele origin: germline.
Comment: This sequence change falls in intron 3 of the SCN1A gene. It does not directly change the encoded amino acid sequence of the SCN1A protein. It affects a nucleotide within the consensus splice site. This variant is not present in population databases (gnomAD no frequency). This variant has been observed in individual(s) with clinical features of SCN1A-related conditions (internal data). In at least one individual the variant was observed to be de novo. ClinVar contains an entry for this variant (Variation ID: 1415164). Variants that disrupt the consensus splice site are a relatively common cause of aberrant splicing (PMID: 17576681, 9536098). Algorithms developed to predict the effect of sequence changes on RNA splicing suggest that this variant may disrupt the consensus splice site. For these reasons, this variant has been classified as Pathogenic.

GeneDx
Classification: Pathogenic. Last evaluated: 2023-05-02. Review status: criteria provided, single submitter. Criteria: GeneDx Variant Classification Process June 2021. Collection method: clinical testing. Allele origin: germline. Affected: yes.
Comment: Published functional studies demonstrate a damaging impact on SCN1A function as a result of aberrant splicing (Zhou et al., 2021); Not observed at significant frequency in large population cohorts (gnomAD); This variant is associated with the following publications: (PMID: 25525159, 31765958, 32090326, 29408779, 18930999, 34293681)

Literature cited by the submitters: PubMed 34293681 (cited by Dasa); PubMed 17576681 (cited by Labcorp Genetics (formerly Invitae), Labcorp); PubMed 9536098 (cited by Labcorp Genetics (formerly Invitae), Labcorp).

NM_001165963.4(SCN1A):c.473+5G>A

Gene: SCN1A (sodium voltage-gated channel alpha subunit 1; minus strand). Cytogenetic location: 2q24.3.
Variant type: single nucleotide variant.
Coding change: c.473+5G>A on transcript NM_001165963.4 (MANE Select); 5 bases into the intron after coding-DNA position 473, G replaced by A.
Molecular consequence: intron variant.
Genome position (GRCh38, 1-based): chr2:166,056,406, C>T on the plus strand (G>A on the coding strand, the complement: SCN1A is on the minus strand). VCF-style: chr2-166056406-C-T. GRCh37 (hg19) VCF-style: chr2-166912916-C-T.
Other names: c.473+5G>A (NM_001353949.2, NM_001353958.2, NM_001353950.2 and 10 more transcripts); c.-1953+5G>A (NM_001353961.2).
Identifiers: ClinVar variation 1415164 (VCV001415164.12), dbSNP rs1064794634, ClinGen allele CA2573133525.